The following is an entry in ClinVar:

NM_006158.5(NEFL):c.447G>A (p.Ala149=)

Gene: NEFL (neurofilament light chain; minus strand). Cytogenetic location: 8p21.2.
Variant type: single nucleotide variant.
Coding change: c.447G>A on transcript NM_006158.5 (MANE Select); coding-DNA position 447, G replaced by A.
Protein change: p.Ala149=; no amino-acid change (alanine 149 retained).
Molecular consequence: synonymous variant.
Genome position (GRCh38, 1-based): chr8:24,956,069, C>T on the plus strand (G>A on the coding strand, the complement: NEFL is on the minus strand). VCF-style: chr8-24956069-C-T. GRCh37 (hg19) VCF-style: chr8-24813583-C-T.
Identifiers: ClinVar variation 1695225 (VCV001695225.32), dbSNP rs1054658308, ClinGen allele CA460183608.

ClinVar aggregate classification (germline): Likely benign. Review status: criteria provided, multiple submitters, no conflicts (2 of 4 stars). 2 submissions from 2 submitters: Likely benign (2). Last evaluated 2025-07-23.

Conditions:
Charcot-Marie-Tooth disease type 2E (CMT2E). Also called: CHARCOT-MARIE-TOOTH NEUROPATHY, TYPE 2E; CHARCOT-MARIE-TOOTH DISEASE, AXONAL, TYPE 2E. Identifiers: Orphanet 99939, MedGen C1843225, MONDO:0011894, OMIM 607684.

Allele frequency attached by ClinVar (database versions not stated): gnomAD exomes below 0.00001; gnomAD 0.00001.
gnomAD v4.1: 11 of 1,603,770 alleles (0.00069%); highest among the groups gnomAD compares: African/African-American, 0.0013%; no homozygotes.

Submissions (2):

Labcorp Genetics (formerly Invitae), Labcorp
Classification: Likely benign for Charcot-Marie-Tooth disease type 2E. Last evaluated: 2025-07-23. Review status: criteria provided, single submitter. Criteria: Invitae Variant Classification Sherloc (09022015). Collection method: clinical testing. Allele origin: germline.

CeGaT Center for Human Genetics Tuebingen
Classification: Likely benign. Last evaluated: 2022-05-01. Review status: criteria provided, single submitter. Criteria: CeGaT Center For Human Genetics Tuebingen Variant Classification Criteria Version 2. Collection method: clinical testing. Allele origin: germline. Affected: yes. Observed: 1 variant allele.
Comment: NEFL: BP4, BP7